The following is an entry in ClinVar:

ClinVar aggregate classification (germline): Uncertain significance (1 of 4 stars; one submission).

Conditions:
Cardiovascular phenotype. Identifiers: MedGen CN230736.

Allele frequency attached by ClinVar (database versions not stated): gnomAD 0.00001.

Submission:

Ambry Genetics
Classification: Uncertain significance for Cardiovascular phenotype. Last evaluated: 2021-03-02. Review status: criteria provided, single submitter. Criteria: Ambry Variant Classification Scheme 2023. Collection method: clinical testing. Allele origin: germline.
Comment: The p.V282M variant (also known as c.844G>A), located in coding exon 8 of the APOB gene, results from a G to A substitution at nucleotide position 844. The valine at codon 282 is replaced by methionine, an amino acid with highly similar properties. This amino acid position is well conserved in available vertebrate species. In addition, this alteration is predicted to be tolerated by in silico analysis. Since supporting evidence is limited at this time, the clinical significance of this alteration remains unclear.

NM_000384.3(APOB):c.844G>A (p.Val282Met)

Gene: APOB (apolipoprotein B; minus strand). Cytogenetic location: 2p24.1.
Variant type: single nucleotide variant.
Coding change: c.844G>A on transcript NM_000384.3 (MANE Select); coding-DNA position 844, G replaced by A.
Protein change: p.Val282Met; replaces valine 282 with methionine.
Molecular consequence: missense variant.
Genome position (GRCh38, 1-based): chr2:21,034,876, C>T on the plus strand (G>A on the coding strand, the complement: APOB is on the minus strand). VCF-style: chr2-21034876-C-T. GRCh37 (hg19) VCF-style: chr2-21257748-C-T.
Other names: short protein forms V282M.
Identifiers: ClinVar variation 918349 (VCV000918349.5), dbSNP rs1449402340, ClinGen allele CA345960846.